The following is an entry in ClinVar:

NM_001282534.2(KCNK9):c.156C>A (p.Tyr52Ter)

Gene: KCNK9 (potassium two pore domain channel subfamily K member 9; minus strand). Cytogenetic location: 8q24.3.
Variant type: single nucleotide variant.
Coding change: c.156C>A on transcript NM_001282534.2 (MANE Select); coding-DNA position 156, C replaced by A.
Protein change: p.Tyr52Ter; replaces tyrosine 52 with a stop codon.
Molecular consequence: nonsense. On other transcripts: non-coding transcript variant (1).
Genome position (GRCh38, 1-based): chr8:139,702,837, G>T on the plus strand (C>A on the coding strand, the complement: KCNK9 is on the minus strand). VCF-style: chr8-139702837-G-T. GRCh37 (hg19) VCF-style: chr8-140715080-G-T.
Other names: short protein forms Y52*.
Identifiers: ClinVar variation 3361694 (VCV003361694.2).
Genomic context (GRCh38, chr8:139,702,837, plus strand): 5'-GTGCGGTTCCGACTGCAGGATCACCAGCTCCAGCTGCCGGTAGTCCTCGCTGCTGATGTT[G>T]TACTTCCCCTTGATCCGGATCTCCTCGGCTTTGAGTTTCTCCTCCTCGCGCATCTCGTGG-3'

ClinVar aggregate classification (germline): Uncertain significance (1 of 4 stars; one submission).

Submission:

GeneDx
Classification: Uncertain significance. Last evaluated: 2025-04-18. Review status: criteria provided, single submitter. Criteria: GeneDx Variant Classification Process June 2021. Collection method: clinical testing. Allele origin: germline.
Comment: Not observed at significant frequency in large population cohorts (gnomAD); Has not been previously published as pathogenic or benign to our knowledge; Nonsense variant predicted to result in protein truncation or nonsense mediated decay in a gene or region of a gene for which loss of function is not a well-established mechanism of disease